The following is an entry in ClinVar:

ClinVar aggregate classification (germline): Uncertain significance. Review status: criteria provided, multiple submitters, no conflicts (2 of 4 stars). 2 submissions from 2 submitters: Uncertain significance (2). Last evaluated 2024-12-09.

Conditions:
Alstrom syndrome (ALMS). Identifiers: Orphanet 64, MedGen C0268425, MONDO:0008763, OMIM 203800.

Allele frequency attached by ClinVar (database versions not stated): gnomAD exomes below 0.00001; TOPMed below 0.00001; gnomAD 0.00001; ExAC 0.00002.
gnomAD v4.1: 6 of 1,611,764 alleles (0.00037%); highest among the groups gnomAD compares: East Asian, 0.0089%; no homozygotes.

Submissions (2):

GeneDx
Classification: Uncertain significance. Last evaluated: 2024-12-09. Review status: criteria provided, single submitter. Criteria: GeneDx Variant Classification Process June 2021. Collection method: clinical testing. Allele origin: germline. Affected: yes.
Comment: Not observed at significant frequency in large population cohorts (gnomAD); In silico analysis indicates that this missense variant does not alter protein structure/function; Has not been previously published as pathogenic or benign to our knowledge

Labcorp Genetics (formerly Invitae), Labcorp
Classification: Uncertain significance for Alstrom syndrome. Last evaluated: 2023-12-19. Review status: criteria provided, single submitter. Criteria: Invitae Variant Classification Sherloc (09022015). Collection method: clinical testing. Allele origin: germline.
Comment: This sequence change replaces threonine, which is neutral and polar, with alanine, which is neutral and non-polar, at codon 1236 of the ALMS1 protein (p.Thr1236Ala). This variant is present in population databases (rs765519585, gnomAD 0.01%). This variant has not been reported in the literature in individuals affected with ALMS1-related conditions. ClinVar contains an entry for this variant (Variation ID: 2146789). Experimental studies and prediction algorithms are not available or were not evaluated, and the functional significance of this variant is currently unknown. In summary, the available evidence is currently insufficient to determine the role of this variant in disease. Therefore, it has been classified as a Variant of Uncertain Significance.

NM_001378454.1(ALMS1):c.3703A>G (p.Thr1235Ala)

Gene: ALMS1 (ALMS1 centrosome and basal body associated protein; plus strand). Cytogenetic location: 2p13.1.
Variant type: single nucleotide variant.
Coding change: c.3703A>G on transcript NM_001378454.1 (MANE Select); coding-DNA position 3703, A replaced by G.
Protein change: p.Thr1235Ala; replaces threonine 1235 with alanine.
Molecular consequence: missense variant.
Genome position (GRCh38, 1-based): chr2:73,450,230, A>G. VCF-style: chr2-73450230-A-G. GRCh37 (hg19) VCF-style: chr2-73677357-A-G.
Other names: c.3706A>G, p.Thr1236Ala (NM_015120.4); short protein forms T1236A, T1235A.
Identifiers: ClinVar variation 2146789 (VCV002146789.4), dbSNP rs765519585, ClinGen allele CA1713577.